The following is an entry in ClinVar:

ClinVar aggregate classification (germline): Uncertain significance (1 of 4 stars; one submission).

Conditions:
Pfeiffer syndrome (ACS5). Also called: ACS V. Identifiers: Orphanet 710, MedGen C0220658, MONDO:0007043, OMIM 101600.
Hypogonadotropic hypogonadism 2 with or without anosmia (HH2). Also called: FGFR1-Related GnRH Deficiency (Kallmann Syndrome 2); HYPOGONADOTROPIC HYPOGONADISM 2 WITHOUT ANOSMIA; HYPOGONADOTROPIC HYPOGONADISM 2 WITH OR WITHOUT ANOSMIA, SUSCEPTIBILITY TO; HYPOGONADOTROPIC HYPOGONADISM 2 WITHOUT ANOSMIA, SUSCEPTIBILITY TO. Identifiers: Orphanet 478, MedGen C1563720, MONDO:0007844, OMIM 147950. Disease mechanism: loss of function.

Allele frequency attached by ClinVar (database versions not stated): ExAC 0.00001.
gnomAD v4.1: 2 of 1,613,498 alleles (0.00012%); highest among the groups gnomAD compares: Admixed American, 0.0017%; no homozygotes.

Submission:

Labcorp Genetics (formerly Invitae), Labcorp
Classification: Uncertain significance for Pfeiffer syndrome; Hypogonadotropic hypogonadism 2 with or without anosmia. Last evaluated: 2022-08-15. Review status: criteria provided, single submitter. Criteria: Invitae Variant Classification Sherloc (09022015). Collection method: clinical testing. Allele origin: germline.
Comment: This variant is present in population databases (rs759376422, gnomAD 0.006%). This sequence change replaces histidine, which is basic and polar, with asparagine, which is neutral and polar, at codon 810 of the FGFR1 protein (p.His810Asn). This variant has not been reported in the literature in individuals affected with FGFR1-related conditions. ClinVar contains an entry for this variant (Variation ID: 946143). Algorithms developed to predict the effect of missense changes on protein structure and function (SIFT, PolyPhen-2, Align-GVGD) all suggest that this variant is likely to be tolerated. In summary, the available evidence is currently insufficient to determine the role of this variant in disease. Therefore, it has been classified as a Variant of Uncertain Significance.

NM_023110.3(FGFR1):c.2428C>A (p.His810Asn)

Gene: FGFR1 (fibroblast growth factor receptor 1; minus strand). Cytogenetic location: 8p11.23.
Variant type: single nucleotide variant.
Coding change: c.2428C>A on transcript NM_023110.3 (MANE Select); coding-DNA position 2428, C replaced by A.
Protein change: p.His810Asn; replaces histidine 810 with asparagine.
Molecular consequence: missense variant. On other transcripts: intron variant (3).
Genome position (GRCh38, 1-based): chr8:38,413,669, G>T on the plus strand (C>A on the coding strand, the complement: FGFR1 is on the minus strand). VCF-style: chr8-38413669-G-T. GRCh37 (hg19) VCF-style: chr8-38271187-G-T.
Other names: c.2422C>A, p.His808Asn (NM_001174063.2, NM_001174065.2, NM_015850.4); c.2398C>A, p.His800Asn (NM_001174064.2); c.2161C>A, p.His721Asn (NM_001174066.2, NM_023105.3); c.2521C>A, p.His841Asn (NM_001174067.2); c.2149C>A, p.His717Asn (NM_001354368.2); c.2155C>A, p.His719Asn (NM_023106.3); c.2019+249C>A (NM_001354370.2); c.2286+249C>A (NM_001354367.2); and 1 more; short protein forms H719N, H721N, H808N, H810N, H717N, H800N, H841N.
Identifiers: ClinVar variation 946143 (VCV000946143.6), dbSNP rs759376422, ClinGen allele CA4718072.